The following is an entry in ClinVar:

NM_004304.5(ALK):c.3776G>A (p.Cys1259Tyr)

Gene: ALK (ALK receptor tyrosine kinase; minus strand). Cytogenetic location: 2p23.2.
Variant type: single nucleotide variant.
Coding change: c.3776G>A on transcript NM_004304.5 (MANE Select); coding-DNA position 3776, G replaced by A.
Protein change: p.Cys1259Tyr; replaces cysteine 1259 with tyrosine.
Molecular consequence: missense variant.
Genome position (GRCh38, 1-based): chr2:29,209,846, C>T on the plus strand (G>A on the coding strand, the complement: ALK is on the minus strand). VCF-style: chr2-29209846-C-T. GRCh37 (hg19) VCF-style: chr2-29432712-C-T.
Other names: c.572G>A, p.Cys191Tyr (NM_001353765.2); short protein forms C1259Y, C191Y.
Identifiers: ClinVar variation 858036 (VCV000858036.13), dbSNP rs1669417026, ClinGen allele CA346469748.

ClinVar aggregate classification (germline): Uncertain significance. Review status: criteria provided, multiple submitters, no conflicts (2 of 4 stars). 2 submissions from 2 submitters: Uncertain significance (2). Last evaluated 2024-04-13.

Conditions:
Hereditary cancer-predisposing syndrome. Also called: Hereditary neoplastic syndrome; Tumor predisposition; Neoplastic Syndromes, Hereditary; Hereditary Cancer Syndrome. Identifiers: Orphanet 140162, MedGen C0027672, MeSH D009386, MONDO:0015356.
Neuroblastoma, susceptibility to, 3. Also called: ALK-Related Neuroblastic Tumor Susceptibility. Identifiers: Orphanet 635, MedGen C2751681, MONDO:0013083, OMIM 613014.

Allele frequency attached by ClinVar (database versions not stated): gnomAD exomes below 0.00001.
gnomAD v4.1: 2 of 1,614,148 alleles (0.00012%); highest among the groups gnomAD compares: Non-Finnish European, 0.00017%; no homozygotes.

Submissions (2):

Ambry Genetics
Classification: Uncertain significance for Hereditary cancer-predisposing syndrome. Last evaluated: 2024-04-13. Review status: criteria provided, single submitter. Criteria: Ambry Variant Classification Scheme 2023. Collection method: clinical testing. Allele origin: germline.
Comment: The p.C1259Y variant (also known as c.3776G>A), located in coding exon 25 of the ALK gene, results from a G to A substitution at nucleotide position 3776. The cysteine at codon 1259 is replaced by tyrosine, an amino acid with highly dissimilar properties. This amino acid position is well conserved in available vertebrate species. In addition, the in silico prediction for this alteration is inconclusive. Since supporting evidence is limited at this time, the clinical significance of this alteration remains unclear.

Labcorp Genetics (formerly Invitae), Labcorp
Classification: Uncertain significance for Neuroblastoma, susceptibility to, 3. Last evaluated: 2023-03-30. Review status: criteria provided, single submitter. Criteria: Invitae Variant Classification Sherloc (09022015). Collection method: clinical testing. Allele origin: germline.
Comment: An algorithm developed to predict the effect of missense changes on protein structure and function (PolyPhen-2) suggests that this variant is likely to be disruptive. In summary, the available evidence is currently insufficient to determine the role of this variant in disease. Therefore, it has been classified as a Variant of Uncertain Significance. ClinVar contains an entry for this variant (Variation ID: 858036). This variant has not been reported in the literature in individuals affected with ALK-related conditions. This variant is not present in population databases (gnomAD no frequency). This sequence change replaces cysteine, which is neutral and slightly polar, with tyrosine, which is neutral and polar, at codon 1259 of the ALK protein (p.Cys1259Tyr).